The following is an entry in ClinVar:

NM_001142800.2(EYS):c.1766+2645G>A

Gene: EYS (EGF-like photoreceptor maintenance factor; minus strand). Cytogenetic location: 6q12.
Variant type: single nucleotide variant.
Coding change: c.1766+2645G>A on transcript NM_001142800.2 (MANE Select); 2645 bases into the intron after coding-DNA position 1766, G replaced by A.
Molecular consequence: intron variant. On other transcripts: missense variant (1).
Genome position (GRCh38, 1-based): chr6:65,332,335, C>T on the plus strand (G>A on the coding strand, the complement: EYS is on the minus strand). VCF-style: chr6-65332335-C-T. GRCh37 (hg19) VCF-style: chr6-66042228-C-T.
Other names: c.1849G>A, p.Val617Ile (NM_001142801.2); c.1766+2645G>A (NM_001292009.2); short protein forms V617I.
Identifiers: ClinVar variation 866693 (VCV000866693.3), dbSNP rs369906234, ClinGen allele CA3877602.
Genomic context (GRCh38, chr6:65,332,335, plus strand): 5'-TATTGATACATTAAATTACATTAATTGATTTTAAGCCACTAAATCAAACTTATATTCTTA[C>T]GATAAATCCCACCTGGTCATGCTGTATAAACCTTTCTATATGTTGCTGAATTTGGTGTGG-3'

ClinVar aggregate classification (germline): Uncertain significance. Review status: criteria provided, multiple submitters, no conflicts (2 of 4 stars). 2 submissions from 2 submitters: Uncertain significance (2). Last evaluated 2026-06-12.

Conditions:
EYS-related disorder. Also called: EYS-related condition.

Allele frequency attached by ClinVar (database versions not stated): ExAC 0.00009; gnomAD exomes 0.00010 and 0.00014; gnomAD 0.00017; TOPMed 0.00019; ESP Exome Variant Server 0.00022.
gnomAD v4.1: 94 of 754,670 alleles (0.012%); highest among the groups gnomAD compares: East Asian, 0.035%; no homozygotes.

Submissions (2):

PreventionGenetics, part of Exact Sciences
Classification: Uncertain significance for EYS-related condition. Last evaluated: 2026-06-12. Review status: criteria provided, single submitter. Criteria: ACMG Guidelines, 2015. Collection method: clinical testing. Allele origin: germline.
Comment: The EYS c.1849G>A variant is predicted to result in the amino acid substitution p.Val617Ile. To our knowledge, this variant has not been reported in the literature. On an alternate transcript (NM_001142801), this variant is a missense change c.1849G>A (p.Val617Ile). This variant is reported in 0.097% of alleles in individuals of East Asian descent in gnomAD, which may be too frequent to be a primary cause of disease. Although we suspect that this variant may be benign, the clinical significance of this variant is currently classified as uncertain due to the absence of conclusive functional and genetic evidence.

Blueprint Genetics
Classification: Uncertain significance. Last evaluated: 2022-09-08. Review status: criteria provided, single submitter. Criteria: ACMG Guidelines, 2015. Collection method: clinical testing. Allele origin: germline.